The following is an entry in ClinVar:

ClinVar aggregate classification (germline): Uncertain significance (1 of 4 stars; one submission).

gnomAD v4.1: 1 of 1,613,708 alleles (0.000062%); highest among the groups gnomAD compares: Non-Finnish European, 0.000085%; no homozygotes.

Submission:

Ambry Genetics
Classification: Uncertain significance. Last evaluated: 2024-07-26. Review status: criteria provided, single submitter. Criteria: Ambry Variant Classification Scheme 2023. Collection method: clinical testing. Allele origin: germline.
Comment: The p.Q128E variant (also known as c.382C>G), located in coding exon 5 of the FAM175A gene, results from a C to G substitution at nucleotide position 382. The glutamine at codon 128 is replaced by glutamic acid, an amino acid with highly similar properties. This amino acid position is conserved. In addition, this alteration is predicted to be tolerated by in silico analysis. Based on the available evidence, the clinical significance of this variant remains unclear.

NM_139076.3(ABRAXAS1):c.382C>G (p.Gln128Glu)

Gene: ABRAXAS1 (abraxas 1, BRCA1 A complex subunit; minus strand). Cytogenetic location: 4q21.23.
Variant type: single nucleotide variant.
Coding change: c.382C>G on transcript NM_139076.3 (MANE Select); coding-DNA position 382, C replaced by G.
Protein change: p.Gln128Glu; replaces glutamine 128 with glutamic acid.
Molecular consequence: missense variant.
Genome position (GRCh38, 1-based): chr4:83,470,297, G>C on the plus strand (C>G on the coding strand, the complement: ABRAXAS1 is on the minus strand). VCF-style: chr4-83470297-G-C. GRCh37 (hg19) VCF-style: chr4-84391450-G-C.
Other names: c.55C>G, p.Gln19Glu (NM_001345962.2); short protein forms Q128E, Q19E.
Identifiers: ClinVar variation 3446212 (VCV003446212.1).